The following is an entry in ClinVar:

ClinVar aggregate classification (germline): Uncertain significance. Review status: criteria provided, multiple submitters, no conflicts (2 of 4 stars). 2 submissions from 2 submitters: Uncertain significance (2). Last evaluated 2025-04-11.

Conditions:
Neuroblastoma, susceptibility to, 3. Also called: ALK-Related Neuroblastic Tumor Susceptibility. Identifiers: Orphanet 635, MedGen C2751681, MONDO:0013083, OMIM 613014.
Hereditary cancer-predisposing syndrome. Also called: Hereditary neoplastic syndrome; Tumor predisposition; Neoplastic Syndromes, Hereditary; Hereditary Cancer Syndrome. Identifiers: Orphanet 140162, MedGen C0027672, MeSH D009386, MONDO:0015356.

Allele frequency attached by ClinVar (database versions not stated): TOPMed 0.00001.
gnomAD v4.1: 4 of 1,613,912 alleles (0.00025%); highest among the groups gnomAD compares: Non-Finnish European, 0.00034%; no homozygotes.

Submissions (2):

Ambry Genetics
Classification: Uncertain significance for Hereditary cancer-predisposing syndrome. Last evaluated: 2025-04-11. Review status: criteria provided, single submitter. Criteria: Ambry Variant Classification Scheme 2023. Collection method: clinical testing. Allele origin: germline.
Comment: The c.4165-5G>A intronic variant results from a G to A substitution 5 nucleotides upstream from coding exon 29 in the ALK gene. This nucleotide position is poorly conserved in available vertebrate species. In silico splice site analysis predicts that this alteration will result in the creation or strengthening of a novel splice acceptor site. Based on the available evidence, the clinical significance of this variant remains unclear.

Labcorp Genetics (formerly Invitae), Labcorp
Classification: Uncertain significance for Neuroblastoma, susceptibility to, 3. Last evaluated: 2023-12-16. Review status: criteria provided, single submitter. Criteria: Invitae Variant Classification Sherloc (09022015). Collection method: clinical testing. Allele origin: germline.
Comment: This sequence change falls in intron 28 of the ALK gene. It does not directly change the encoded amino acid sequence of the ALK protein. This variant is not present in population databases (gnomAD no frequency). This variant has not been reported in the literature in individuals affected with ALK-related conditions. ClinVar contains an entry for this variant (Variation ID: 954070). Algorithms developed to predict the effect of sequence changes on RNA splicing suggest that this variant may disrupt the consensus splice site. In summary, the available evidence is currently insufficient to determine the role of this variant in disease. Therefore, it has been classified as a Variant of Uncertain Significance.

NM_004304.5(ALK):c.4165-5G>A

Gene: ALK (ALK receptor tyrosine kinase; minus strand). Cytogenetic location: 2p23.2.
Variant type: single nucleotide variant.
Coding change: c.4165-5G>A on transcript NM_004304.5 (MANE Select); 5 bases into the intron before coding-DNA position 4165, G replaced by A.
Molecular consequence: intron variant.
Genome position (GRCh38, 1-based): chr2:29,193,927, C>T on the plus strand (G>A on the coding strand, the complement: ALK is on the minus strand). VCF-style: chr2-29193927-C-T. GRCh37 (hg19) VCF-style: chr2-29416793-C-T.
Other names: c.961-5G>A (NM_001353765.2).
Identifiers: ClinVar variation 954070 (VCV000954070.10), dbSNP rs1668958083, ClinGen allele CA1139656815.